The following is an entry in ClinVar:

ClinVar aggregate classification (germline): Pathogenic (1 of 4 stars; one submission).

Conditions:
Epilepsy. Also called: Seizure disorder. Identifiers: MedGen C0014544, MeSH D004827, MONDO:0005027.

Submission:

Labcorp Genetics (formerly Invitae), Labcorp
Classification: Pathogenic for Epilepsy. Last evaluated: 2020-09-29. Review status: criteria provided, single submitter. Criteria: Invitae Variant Classification Sherloc (09022015). Collection method: clinical testing. Allele origin: germline.
Comment: This variant has not been reported in the literature in individuals with PIGQ-related conditions. ClinVar contains an entry for this variant (Variation ID: 642336). This variant is not present in population databases (ExAC no frequency). This sequence change creates a premature translational stop signal (p.Trp371*) in the PIGQ gene. It is expected to result in an absent or disrupted protein product. For these reasons, this variant has been classified as Pathogenic. Loss-of-function variants in PIGQ are known to be pathogenic (PMID: 24463883, 25558065).

Literature cited by the submitters: PubMed 24463883; PubMed 25558065.

NM_004204.5(PIGQ):c.1113G>A (p.Trp371Ter)

Gene: PIGQ (phosphatidylinositol glycan anchor biosynthesis class Q; plus strand). Cytogenetic location: 16p13.3.
Variant type: single nucleotide variant.
Coding change: c.1113G>A on transcript NM_004204.5 (MANE Select); coding-DNA position 1113, G replaced by A.
Protein change: p.Trp371Ter; replaces tryptophan 371 with a stop codon.
Molecular consequence: nonsense.
Genome position (GRCh38, 1-based): chr16:578,828, G>A. VCF-style: chr16-578828-G-A. GRCh37 (hg19) VCF-style: chr16-628828-G-A.
Other names: c.1113G>A, p.Trp371Ter (NM_148920.4); short protein forms W371*.
Identifiers: ClinVar variation 642336 (VCV000642336.6), dbSNP rs1596385588, ClinGen allele CA394056806.